The following is an entry in ClinVar:

ClinVar aggregate classification (germline): Conflicting classifications of pathogenicity. Review status: criteria provided, conflicting classifications (1 of 4 stars). 2 submissions from 2 submitters: Uncertain significance (1); Likely benign (1). Last evaluated 2025-08-27.

Conditions:
Shprintzen-Goldberg syndrome (SGS). Also called: CRANIOSYNOSTOSIS WITH ARACHNODACTYLY AND ABDOMINAL HERNIAS; SHPRINTZEN-GOLDBERG CRANIOSYNOSTOSIS SYNDROME; Marfanoid disorder with craniosynostosis type 1; Marfanoid craniosynostosis syndrome; Shprintzen-Goldberg marfanoid syndrome. Identifiers: Orphanet 2462, MedGen C1321551, MONDO:0008426, OMIM 182212.
Familial thoracic aortic aneurysm and aortic dissection (TAAD). Also called: Thoracic aortic aneurysms and dissections. Identifiers: Orphanet 91387, MedGen C4707243, MONDO:0019625.

Allele frequency attached by ClinVar (database versions not stated): gnomAD exomes 0.00001; TOPMed 0.00007; gnomAD 0.00003.
gnomAD v4.1: 9 of 1,592,932 alleles (0.00056%); highest among the groups gnomAD compares: Admixed American, 0.014%; no homozygotes.

Submissions (2):

Labcorp Genetics (formerly Invitae), Labcorp
Classification: Likely benign for Shprintzen-Goldberg syndrome. Last evaluated: 2025-08-27. Review status: criteria provided, single submitter. Criteria: Invitae Variant Classification Sherloc (09022015). Collection method: clinical testing. Allele origin: germline.

Ambry Genetics
Classification: Uncertain significance for Familial thoracic aortic aneurysm and aortic dissection. Last evaluated: 2024-05-26. Review status: criteria provided, single submitter. Criteria: Ambry Variant Classification Scheme 2023. Collection method: clinical testing. Allele origin: germline.
Comment: The p.K638R variant (also known as c.1913A>G), located in coding exon 6 of the SKI gene, results from an A to G substitution at nucleotide position 1913. The lysine at codon 638 is replaced by arginine, an amino acid with highly similar properties. This amino acid position is conserved. In addition, this alteration is predicted to be tolerated by in silico analysis. Since supporting evidence is limited at this time, the clinical significance of this alteration remains unclear.

NM_003036.4(SKI):c.1913A>G (p.Lys638Arg)

Gene: SKI (SKI proto-oncogene; plus strand). Cytogenetic location: 1p36.32.
Variant type: single nucleotide variant.
Coding change: c.1913A>G on transcript NM_003036.4 (MANE Select); coding-DNA position 1913, A replaced by G.
Protein change: p.Lys638Arg; replaces lysine 638 with arginine.
Molecular consequence: missense variant.
Genome position (GRCh38, 1-based): chr1:2,306,165, A>G. VCF-style: chr1-2306165-A-G. GRCh37 (hg19) VCF-style: chr1-2237604-A-G.
Other names: short protein forms K638R.
Identifiers: ClinVar variation 1782528 (VCV001782528.8), dbSNP rs921915068, ClinGen allele CA16897840.